The following is an entry in ClinVar:

NM_000059.4(BRCA2):c.1865C>A (p.Ala622Glu)

Gene: BRCA2 (BRCA2 DNA repair associated; plus strand). Cytogenetic location: 13q13.1.
Variant type: single nucleotide variant.
Coding change: c.1865C>A on transcript NM_000059.4 (MANE Select); coding-DNA position 1865, C replaced by A.
Protein change: p.Ala622Glu; replaces alanine 622 with glutamic acid.
Molecular consequence: missense variant.
Genome position (GRCh38, 1-based): chr13:32,333,343, C>A. VCF-style: chr13-32333343-C-A. GRCh37 (hg19) VCF-style: chr13-32907480-C-A.
Other names: short protein forms A622E.
Identifiers: ClinVar variation 1065139 (VCV001065139.3), dbSNP rs80358477, ClinGen allele CA387766512.

ClinVar aggregate classification (germline): Conflicting classifications of pathogenicity. Review status: criteria provided, conflicting classifications (1 of 4 stars). 2 submissions from 2 submitters: Uncertain significance (1); Likely benign (1). Last evaluated 2023-03-23.

Conditions:
Hereditary cancer-predisposing syndrome. Also called: Hereditary Cancer Syndrome; Hereditary neoplastic syndrome; Neoplastic Syndromes, Hereditary; Tumor predisposition. Identifiers: Orphanet 140162, MedGen C0027672, MeSH D009386, MONDO:0015356.

Submissions (2):

University of Washington Department of Laboratory Medicine, University of Washington
Classification: Likely benign for Hereditary cancer-predisposing syndrome. Last evaluated: 2023-03-23. Review status: criteria provided, single submitter. Criteria: Dines et al. (Genet Med. 2020). Collection method: curation. Allele origin: germline.
Comment: Missense variant in a coldspot region where missense variants are very unlikely to be pathogenic (PMID:31911673).

BRCA2 exon 10 coldspot. Reclassification based on statistical prior probability.

Women's Health and Genetics/Laboratory Corporation of America, LabCorp
Classification: Uncertain significance. Last evaluated: 2021-04-02. Review status: criteria provided, single submitter. Criteria: LabCorp Variant Classification Summary - May 2015. Collection method: clinical testing. Allele origin: germline.
Comment: Variant summary: BRCA2 c.1865C>A (p.Ala622Glu) results in a non-conservative amino acid change in the encoded protein sequence. Three of five in-silico tools predict a damaging effect of the variant on protein function. The variant was absent in 240116 control chromosomes (gnomAD). The available data on variant occurrences in the general population are insufficient to allow any conclusion about variant significance. To our knowledge, no occurrence of c.1865C>A in individuals affected with Hereditary Breast and Ovarian Cancer Syndrome and no experimental evidence demonstrating its impact on protein function have been reported. No clinical diagnostic laboratories have submitted clinical-significance assessments for this variant to ClinVar after 2014. Based on the evidence outlined above, the variant was classified as uncertain significance.